The following is an entry in ClinVar:

ClinVar aggregate classification (germline): Conflicting classifications of pathogenicity. Review status: criteria provided, conflicting classifications (1 of 4 stars). 4 submissions from 4 submitters: Uncertain significance (3); Likely benign (1). Last evaluated 2025-07-04.

Conditions:
Inborn genetic diseases. Identifiers: MedGen C0950123, MeSH D030342.
Drash syndrome (DDS). Also called: NEPHROPATHY, WILMS TUMOR, AND GENITAL ANOMALIES; WILMS TUMOR AND PSEUDO- OR TRUE HERMAPHRODITISM. Identifiers: Orphanet 220, MedGen C0950121, MONDO:0008682, OMIM 194080.
Mesothelioma, malignant (MESOM). Also called: Malignant mesothelioma (disease). Identifiers: Orphanet 50251, MedGen C0345967, MONDO:0006292, OMIM 156240, HP:0100001.
Meacham syndrome. Also called: Meacham Winn Culler syndrome. Identifiers: Orphanet 3097, MedGen C1837026, MONDO:0012164, OMIM 608978.
Frasier syndrome. Identifiers: Orphanet 347, MedGen C0950122, MeSH D052159, MONDO:0007635, OMIM 136680.
Nephrotic syndrome, type 4 (NPHS4). Also called: Familial mesangial sclerosis; Nephrotic syndrome, early onset with diffuse mesangial sclerosis. Identifiers: Orphanet 656, MedGen C3151568, MONDO:0009733, OMIM 256370.
Wilms tumor 1 (WT1). Also called: Wilms tumor, somatic. Identifiers: Orphanet 654, MedGen CN033288, MONDO:0008679, OMIM 194070.
11p partial monosomy syndrome (WAGR). Also called: WAGR Spectrum Disorder; WAGR syndrome; WAGR Complex; CHROMOSOME 11p13 DELETION SYNDROME. Identifiers: Orphanet 893, MedGen C0206115, MONDO:0008681, OMIM 194072.

Allele frequency attached by ClinVar (database versions not stated): TOPMed 0.00001; gnomAD exomes 0.00002; gnomAD 0.00006.

Submissions (4):

Labcorp Genetics (formerly Invitae), Labcorp
Classification: Uncertain significance for Wilms tumor 1; Drash syndrome; 11p partial monosomy syndrome; Frasier syndrome. Last evaluated: 2025-07-04. Review status: criteria provided, single submitter. Criteria: Invitae Variant Classification Sherloc (09022015). Collection method: clinical testing. Allele origin: germline.
Comment: This sequence change replaces alanine, which is neutral and non-polar, with valine, which is neutral and non-polar, at codon 5 of the WT1 protein (p.Ala5Val). This variant is present in population databases (no rsID available, gnomAD 0.008%). This variant has not been reported in the literature in individuals affected with WT1-related conditions. ClinVar contains an entry for this variant (Variation ID: 652024). Invitae Evidence Modeling of protein sequence and biophysical properties (such as structural, functional, and spatial information, amino acid conservation, physicochemical variation, residue mobility, and thermodynamic stability) has been performed for this missense variant. However, the output from this modeling did not meet the statistical confidence thresholds required to predict the impact of this variant on WT1 protein function. In summary, the available evidence is currently insufficient to determine the role of this variant in disease. Therefore, it has been classified as a Variant of Uncertain Significance.

Ambry Genetics
Classification: Likely benign for Inborn genetic diseases. Last evaluated: 2025-02-17. Review status: criteria provided, single submitter. Criteria: Ambry Variant Classification Scheme 2023. Collection method: clinical testing. Allele origin: germline.

GeneDx
Classification: Uncertain significance. Last evaluated: 2024-08-29. Review status: criteria provided, single submitter. Criteria: GeneDx Variant Classification Process June 2021. Collection method: clinical testing. Allele origin: germline. Affected: yes.
Comment: In silico analysis indicates that this missense variant does not alter protein structure/function; Has not been previously published as pathogenic or benign to our knowledge

Fulgent Genetics
Classification: Uncertain significance for Frasier syndrome; Mesothelioma, malignant; Wilms tumor 1; Drash syndrome; Nephrotic syndrome, type 4; Meacham syndrome. Last evaluated: 2024-03-22. Review status: criteria provided, single submitter. Criteria: ACMG Guidelines, 2015. Collection method: clinical testing. Allele origin: germline.

NM_024426.6(WT1):c.29C>T (p.Ala10Val)

Genes: WT1 (WT1 transcription factor; minus strand), LOC107982234 (WT1/WT1-AS bi-directional promoter region; plus strand). Cytogenetic location: 11p13.
Variant type: single nucleotide variant.
Coding change: c.29C>T on transcript NM_024426.6 (MANE Select); coding-DNA position 29, C replaced by T.
Protein change: p.Ala10Val; replaces alanine 10 with valine.
Molecular consequence: missense variant. On other transcripts: non-coding transcript variant (1).
Genome position (GRCh38, 1-based): chr11:32,435,332, G>A on the plus strand (C>T on the coding strand, the complement: WT1 is on the minus strand). VCF-style: chr11-32435332-G-A. GRCh37 (hg19) VCF-style: chr11-32456878-G-A.
Other names: c.29C>T, p.Ala10Val (NM_000378.6, NM_024424.5); short protein forms A10V.
Identifiers: ClinVar variation 652024 (VCV000652024.13), dbSNP rs997104313, ClinGen allele CA219511534.
Genomic context (GRCh38, chr11:32,435,332, plus strand): 5'-AGGCACCCAGGCCCGGAGCGGAGCGTGTGCTGAGACGCCGGCTCCGGGACACACGTGGAA[G>A]CCGGGTCCTGCAGCAAGAGGAAGTCCAGGATCGCGGCGAGGAGACGGCGGGGCCCGGGCG-3'
Protein context (NP_077744.4, residues 1-20): MDFLLLQDP[Ala10Val]STCVPEPASQ